The following is an entry in ClinVar:

ClinVar aggregate classification (germline): Uncertain significance (1 of 4 stars; one submission).

Allele frequency attached by ClinVar (database versions not stated): gnomAD exomes below 0.00001.
gnomAD v4.1: 1 of 1,614,098 alleles (0.000062%); highest among the groups gnomAD compares: South Asian, 0.0011%; no homozygotes.

Submission:

Ambry Genetics
Classification: Uncertain significance. Last evaluated: 2022-07-04. Review status: criteria provided, single submitter. Criteria: Ambry Variant Classification Scheme 2023. Collection method: clinical testing. Allele origin: germline.
Comment: The p.E122A variant (also known as c.365A>C), located in coding exon 5 of the RAD54L gene, results from an A to C substitution at nucleotide position 365. The glutamic acid at codon 122 is replaced by alanine, an amino acid with dissimilar properties. This amino acid position is conserved. In addition, this alteration is predicted to be tolerated by in silico analysis. Since supporting evidence is limited at this time, the clinical significance of this alteration remains unclear.

NM_003579.4(RAD54L):c.365A>C (p.Glu122Ala)

Gene: RAD54L (RAD54 like; plus strand). Cytogenetic location: 1p34.1.
Variant type: single nucleotide variant.
Coding change: c.365A>C on transcript NM_003579.4 (MANE Select); coding-DNA position 365, A replaced by C.
Protein change: p.Glu122Ala; replaces glutamic acid 122 with alanine.
Molecular consequence: missense variant. On other transcripts: 5 prime UTR variant (1).
Genome position (GRCh38, 1-based): chr1:46,260,057, A>C. VCF-style: chr1-46260057-A-C. GRCh37 (hg19) VCF-style: chr1-46725729-A-C.
Other names: c.365A>C, p.Glu122Ala (NM_001142548.2); c.-176A>C (NM_001370766.1); short protein forms E122A.
Identifiers: ClinVar variation 1733650 (VCV001733650.2), dbSNP rs1190865093, ClinGen allele CA340182506.